The following is an entry in ClinVar:

ClinVar aggregate classification (germline): Uncertain significance (1 of 4 stars; one submission).

gnomAD v4.1: 2 of 1,611,176 alleles (0.00012%); highest among the groups gnomAD compares: Admixed American, 0.0017%; no homozygotes.

Submission:

Labcorp Genetics (formerly Invitae), Labcorp
Classification: Uncertain significance. Last evaluated: 2024-10-10. Review status: criteria provided, single submitter. Criteria: Invitae Variant Classification Sherloc (09022015). Collection method: clinical testing. Allele origin: germline.
Comment: This sequence change replaces glutamic acid, which is acidic and polar, with aspartic acid, which is acidic and polar, at codon 514 of the BACH2 protein (p.Glu514Asp). This variant is not present in population databases (gnomAD no frequency). This variant has not been reported in the literature in individuals affected with BACH2-related conditions. Invitae Evidence Modeling of protein sequence and biophysical properties (such as structural, functional, and spatial information, amino acid conservation, physicochemical variation, residue mobility, and thermodynamic stability) indicates that this missense variant is not expected to disrupt BACH2 protein function with a negative predictive value of 80%. In summary, the available evidence is currently insufficient to determine the role of this variant in disease. Therefore, it has been classified as a Variant of Uncertain Significance.

NM_021813.4(BACH2):c.1542G>C (p.Glu514Asp)

Gene: BACH2 (BACH transcriptional regulator 2; minus strand). Cytogenetic location: 6q15.
Variant type: single nucleotide variant.
Coding change: c.1542G>C on transcript NM_021813.4 (MANE Select); coding-DNA position 1542, G replaced by C.
Protein change: p.Glu514Asp; replaces glutamic acid 514 with aspartic acid.
Molecular consequence: missense variant.
Genome position (GRCh38, 1-based): chr6:89,950,564, C>G on the plus strand (G>C on the coding strand, the complement: BACH2 is on the minus strand). VCF-style: chr6-89950564-C-G. GRCh37 (hg19) VCF-style: chr6-90660283-C-G.
Other names: c.1542G>C, p.Glu514Asp (NM_001170794.2); short protein forms E514D.
Identifiers: ClinVar variation 3609787 (VCV003609787.2).